The following is an entry in ClinVar:

NM_001267550.2(TTN):c.91173A>C (p.Glu30391Asp)

Genes: TTN (titin; minus strand), TTN-AS1 (TTN antisense RNA 1; plus strand). Cytogenetic location: 2q31.2.
Variant type: single nucleotide variant.
Coding change: c.91173A>C on transcript NM_001267550.2 (MANE Select); coding-DNA position 91173, A replaced by C.
Protein change: p.Glu30391Asp; replaces glutamic acid 30391 with aspartic acid.
Molecular consequence: missense variant.
Genome position (GRCh38, 1-based): chr2:178,551,727, T>G on the plus strand (A>C on the coding strand, the complement: TTN is on the minus strand). VCF-style: chr2-178551727-T-G. GRCh37 (hg19) VCF-style: chr2-179416454-T-G.
Other names: c.91173A>C (NM_001267550.1); c.63978A>C, p.Glu21326Asp (NM_003319.4); c.64353A>C, p.Glu21451Asp (NM_133432.3); c.64554A>C, p.Glu21518Asp (NM_133437.4); c.86250A>C, p.Glu28750Asp (NM_001256850.1); c.83469A>C, p.Glu27823Asp (NM_133378.4); short protein forms E27823D, E30391D, E28750D, E21326D, E21451D, E21518D.
Identifiers: ClinVar variation 165751 (VCV000165751.42), dbSNP rs199505541, ClinGen allele CA178447.
Genomic context (GRCh38, chr2:178,551,727, plus strand): 5'-ACTAGGTGAGCTTAGGCCAGCAGAATTTTCAGCATATACACGGAATTGGTAATCCAGACC[T>G]TCTACCAGTCCAGTGGCTCTATATTCTCTTCCAGAGATTGGTGATGTATTAACTTTTTGC-3'
Protein context (NP_001254479.2, residues 30381-30401): GREYRATGLV[Glu30391Asp]GLDYQFRVYA

ClinVar aggregate classification (germline): Conflicting classifications of pathogenicity. Review status: criteria provided, conflicting classifications (1 of 4 stars). 12 submissions from 8 submitters: Uncertain significance (8); Benign (3); Likely benign (1). Last evaluated 2023-11-01.

Conditions:
Cardiovascular phenotype. Identifiers: MedGen CN230736.
Dilated cardiomyopathy 1G (CMD1G). Identifiers: Orphanet 154, MedGen C1858763, MONDO:0011400, OMIM 604145.
Autosomal recessive limb-girdle muscular dystrophy type 2J (LGMDR10). Also called: Limb-girdle muscular dystrophy, type 2J; MUSCULAR DYSTROPHY, LIMB-GIRDLE, AUTOSOMAL RECESSIVE 10. Identifiers: Orphanet 140922, MedGen C1837342, MONDO:0012127, OMIM 608807.
Hypertrophic cardiomyopathy 9. Also called: Familial hypertrophic cardiomyopathy 9. Identifiers: MedGen C1861065, MONDO:0013412, OMIM 613765.
Myopathy, myofibrillar, 9, with early respiratory failure (MFM9). Also called: Hereditary myopathy with early respiratory failure; MYOPATHY, PROXIMAL, WITH EARLY RESPIRATORY MUSCLE INVOLVEMENT; EDSTROM MYOPATHY; Myopathy, distal, with early respiratory failure, autosomal dominant. Identifiers: Orphanet 178464, Orphanet 34521, MedGen C1863599, MONDO:0011362, OMIM 603689.
Tibial muscular dystrophy (TMD). Also called: UDD MYOPATHY; Tibial muscular dystrophy, tardive; Udd Distal Myopathy – Tibial Muscular Dystrophy. Identifiers: Orphanet 609, MedGen C1838244, MONDO:0010870, OMIM 600334.
Early-onset myopathy with fatal cardiomyopathy (CMYO5). Also called: CONGENITAL MYOPATHY 5 WITH CARDIOMYOPATHY; Salih Myopathy. Identifiers: Orphanet 289377, MedGen C2673677, MONDO:0012714, OMIM 611705. Disease mechanism: loss of function.

Allele frequency attached by ClinVar (database versions not stated): gnomAD exomes 0.00020 and 0.00038; gnomAD 0.00022 and 0.00024; TOPMed 0.00030; ExAC 0.00036; ESP Exome Variant Server 0.00059.
gnomAD v4.1: 345 of 1,613,710 alleles (0.021%); highest among the groups gnomAD compares: Admixed American, 0.005%; no homozygotes.

Submissions (12):

CeGaT Center for Human Genetics Tuebingen
Classification: Uncertain significance. Last evaluated: 2023-11-01. Review status: criteria provided, single submitter. Criteria: CeGaT Center For Human Genetics Tuebingen Variant Classification Criteria Version 2. Collection method: clinical testing. Allele origin: germline. Affected: yes. Observed: 1 variant allele.

Department of Pathology and Laboratory Medicine, Sinai Health System
Classification: Uncertain significance for Tibial muscular dystrophy; Myopathy, myofibrillar, 9, with early respiratory failure; Dilated cardiomyopathy 1G; Autosomal recessive limb-girdle muscular dystrophy type 2J; Early-onset myopathy with fatal cardiomyopathy; Hypertrophic cardiomyopathy 9. Last evaluated: 2021-07-30. Review status: criteria provided, single submitter. Criteria: ACMG Guidelines, 2015. Collection method: research. Allele origin: germline.

Athena Diagnostics
Classification: Benign. Last evaluated: 2021-02-15. Review status: criteria provided, single submitter. Criteria: Athena Diagnostics criteria. Collection method: clinical testing. Allele origin: unknown.

GeneDx
Classification: Likely benign. Last evaluated: 2018-02-02. Review status: criteria provided, single submitter. Criteria: GeneDx Variant Classification (06012015). Collection method: clinical testing. Allele origin: germline. Affected: yes.
Comment: This variant is considered likely benign or benign based on one or more of the following criteria: it is a conservative change, it occurs at a poorly conserved position in the protein, it is predicted to be benign by multiple in silico algorithms, and/or has population frequency not consistent with disease.

Illumina Laboratory Services, Illumina
Classification: Uncertain significance for Early-onset myopathy with fatal cardiomyopathy. Last evaluated: 2018-01-13. Review status: criteria provided, single submitter. Criteria: ICSL Variant Classification Criteria 13 December 2019. Collection method: clinical testing. Allele origin: germline.

Illumina Laboratory Services, Illumina
Classification: Benign for Myopathy, myofibrillar, 9, with early respiratory failure. Last evaluated: 2018-01-13. Review status: criteria provided, single submitter. Criteria: ICSL Variant Classification Criteria 13 December 2019. Collection method: clinical testing. Allele origin: germline.
Comment: This variant was observed in the ICSL laboratory as part of a predisposition screen in an ostensibly healthy population. It had not been previously curated by ICSL or reported in the Human Gene Mutation Database (HGMD: prior to June 1st, 2018), and was therefore a candidate for classification through an automated scoring system. Utilizing variant allele frequency, disease prevalence and penetrance estimates, and inheritance mode, an automated score was calculated to assess if this variant is too frequent to cause the disease. Based on the score and internal cut-off values, a variant classified as benign is not then subjected to further curation. The score for this variant resulted in a classification of benign for this disease.

Illumina Laboratory Services, Illumina
Classification: Uncertain significance for Autosomal recessive limb-girdle muscular dystrophy type 2J. Last evaluated: 2018-01-13. Review status: criteria provided, single submitter. Criteria: ICSL Variant Classification Criteria 13 December 2019. Collection method: clinical testing. Allele origin: germline.

Illumina Laboratory Services, Illumina
Classification: Uncertain significance for Dilated cardiomyopathy 1G. Last evaluated: 2018-01-13. Review status: criteria provided, single submitter. Criteria: ICSL Variant Classification Criteria 13 December 2019. Collection method: clinical testing. Allele origin: germline.

Illumina Laboratory Services, Illumina
Classification: Benign for Tibial muscular dystrophy. Last evaluated: 2018-01-13. Review status: criteria provided, single submitter. Criteria: ICSL Variant Classification Criteria 13 December 2019. Collection method: clinical testing. Allele origin: germline.
Comment: the same text as in the submission from Illumina Laboratory Services, Illumina above.

Labcorp Genetics (formerly Invitae), Labcorp
Classification: Uncertain significance for Dilated cardiomyopathy 1G; Autosomal recessive limb-girdle muscular dystrophy type 2J. Last evaluated: 2017-12-06. Review status: criteria provided, single submitter. Criteria: Invitae Variant Classification Sherloc (09022015). Collection method: clinical testing. Allele origin: germline.

Laboratory for Molecular Medicine, Mass General Brigham Personalized Medicine
Classification: Uncertain significance. Last evaluated: 2015-03-05. Review status: criteria provided, single submitter. Criteria: LMM Criteria. Collection method: clinical testing. Allele origin: germline. Observed: 3 variant alleles.
Comment: The p.Glu27823Asp variant in TTN has been reported in 1 individual with HCM (Mui rhead 2013; conference presentation), and has been identified by our laboratory in 2 Ashkenazi Jewish individuals with HCM. This variant has been identified in 41/66632 of European chromosomes by the Exome Aggregation Consortium (ExAC; dbSNP rs199505541). Computational prediction tools a nd conservation analysis suggest that this variant may impact the protein, thoug h this information is not predictive enough to determine pathogenicity. In summa ry, the clinical significance of the p.Glu27823Asp variant is uncertain.

Ambry Genetics
Classification: Uncertain significance for Cardiovascular phenotype. Last evaluated: 2012-10-01. Review status: criteria provided, single submitter. Criteria: Ambry Autosomal Dominant and X-Linked criteria (10/2015). Collection method: clinical testing. Allele origin: germline. Observed: 1 variant allele.
Comment: There is insufficient or conflicting evidence for classification of this alteration.